The following is an entry in ClinVar:

NM_176824.3(BBS7):c.962C>G (p.Pro321Arg)

Gene: BBS7 (Bardet-Biedl syndrome 7; minus strand). Cytogenetic location: 4q27.
Variant type: single nucleotide variant.
Coding change: c.962C>G on transcript NM_176824.3 (MANE Select); coding-DNA position 962, C replaced by G.
Protein change: p.Pro321Arg; replaces proline 321 with arginine.
Molecular consequence: missense variant.
Genome position (GRCh38, 1-based): chr4:121,847,479, G>C on the plus strand (C>G on the coding strand, the complement: BBS7 is on the minus strand). VCF-style: chr4-121847479-G-C. GRCh37 (hg19) VCF-style: chr4-122768634-G-C.
Other names: c.962C>G, p.Pro321Arg (NM_018190.4); short protein forms P321R.
Identifiers: ClinVar variation 4985005 (VCV004985005.1).

ClinVar aggregate classification (germline): Uncertain significance (1 of 4 stars; one submission).

Conditions:
BBS7-related disorder. Also called: BBS7-related condition.

gnomAD v4.1: 1 of 1,613,350 alleles (0.000062%); highest among the groups gnomAD compares: African/African-American, 0.0013%; no homozygotes.

Submission:

PreventionGenetics, part of Exact Sciences
Classification: Uncertain significance for BBS7-related condition. Last evaluated: 2025-08-14. Review status: criteria provided, single submitter. Criteria: ACMG Guidelines, 2015. Collection method: clinical testing. Allele origin: germline.
Comment: The BBS7 c.962C>G variant is predicted to result in the amino acid substitution p.Pro321Arg. To our knowledge, this variant has not been reported in the literature or in a large population database, indicating this variant is rare. At this time, the clinical significance of this variant is uncertain due to the absence of conclusive functional and genetic evidence.